The following is an entry in ClinVar:

NM_000492.4(CFTR):c.416A>C (p.His139Pro)

Gene: CFTR (CF transmembrane conductance regulator; plus strand). Cytogenetic location: 7q31.2.
Variant type: single nucleotide variant.
Coding change: c.416A>C on transcript NM_000492.4 (MANE Select); coding-DNA position 416, A replaced by C.
Protein change: p.His139Pro; replaces histidine 139 with proline.
Molecular consequence: missense variant.
Genome position (GRCh38, 1-based): chr7:117,531,041, A>C. VCF-style: chr7-117531041-A-C. GRCh37 (hg19) VCF-style: chr7-117171095-A-C.
Other names: short protein forms H139P.
Identifiers: ClinVar variation 497611 (VCV000497611.36), dbSNP rs76371115, ClinGen allele CA368974738.

ClinVar aggregate classification (germline): Conflicting classifications of pathogenicity. Review status: criteria provided, conflicting classifications (1 of 4 stars). 11 submissions from 11 submitters: Likely pathogenic (1); Uncertain significance (9). 1 of the submissions does not count toward it. Last evaluated 2024-10-28.

Conditions:
Congenital bilateral aplasia of vas deferens from CFTR mutation (CBAVD). Identifiers: Orphanet 48, MedGen C0403814, MONDO:0010178, OMIM 277180. Disease mechanism: loss of function.
Cystic fibrosis (CF). Also called: MUCOVISCIDOSIS. Identifiers: Orphanet 586, MedGen C0010674, MONDO:0009061, OMIM 219700. Disease mechanism: loss of function.
Bronchiectasis with or without elevated sweat chloride 1 (BESC1). Also called: Cystic Fibrosis-Like Syndrome. Identifiers: Orphanet 60033, MedGen C2749757, MONDO:0008887, OMIM 211400.
Hereditary pancreatitis (PCTT). Also called: Hereditary chronic pancreatitis; PRSS1-Related Hereditary Pancreatitis. Identifiers: Orphanet 676, MedGen C0238339, MONDO:0008185, OMIM 167800.

Allele frequency attached by ClinVar (database versions not stated): gnomAD exomes below 0.00001 and 0.00001.
gnomAD v4.1: 3 of 1,613,822 alleles (0.00019%); highest among the groups gnomAD compares: Middle Eastern, 0.033%; no homozygotes.

Submissions (11):

Labcorp Genetics (formerly Invitae), Labcorp
Classification: Uncertain significance for Cystic fibrosis. Last evaluated: 2024-10-28. Review status: criteria provided, single submitter. Criteria: Invitae Variant Classification Sherloc (09022015). Collection method: clinical testing. Allele origin: germline.
Comment: This sequence change replaces histidine, which is basic and polar, with proline, which is neutral and non-polar, at codon 139 of the CFTR protein (p.His139Pro). This variant is present in population databases (no rsID available, gnomAD no frequency). This variant has not been reported in the literature in individuals affected with CFTR-related conditions. ClinVar contains an entry for this variant (Variation ID: 497611). Invitae Evidence Modeling of protein sequence and biophysical properties (such as structural, functional, and spatial information, amino acid conservation, physicochemical variation, residue mobility, and thermodynamic stability) indicates that this missense variant is not expected to disrupt CFTR protein function with a negative predictive value of 80%. This variant disrupts the p.His139 amino acid residue in CFTR. Other variant(s) that disrupt this residue have been determined to be pathogenic (PMID: 10605524, 10834512, 28546993). This suggests that this residue is clinically significant, and that variants that disrupt this residue are likely to be disease-causing. In summary, the available evidence is currently insufficient to determine the role of this variant in disease. Therefore, it has been classified as a Variant of Uncertain Significance.

CeGaT Center for Human Genetics Tuebingen
Classification: Uncertain significance. Last evaluated: 2024-08-01. Review status: criteria provided, single submitter. Criteria: CeGaT Center For Human Genetics Tuebingen Variant Classification Criteria Version 2. Collection method: clinical testing. Allele origin: germline. Affected: yes. Observed: 1 variant allele.
Comment: CFTR: PM2, PM5

Genomic Medicine Center of Excellence, King Faisal Specialist Hospital and Research Centre
Classification: Uncertain significance for Cystic fibrosis. Last evaluated: 2024-03-29. Review status: criteria provided, single submitter. Criteria: ACMG Guidelines, 2015. Collection method: clinical testing. Allele origin: germline.

Ambry Genetics
Classification: Uncertain significance for Cystic fibrosis. Last evaluated: 2024-03-07. Review status: criteria provided, single submitter. Criteria: Ambry Variant Classification Scheme 2023. Collection method: clinical testing. Allele origin: germline.
Comment: The p.H139P variant (also known as c.416A>C), located in coding exon 4 of the CFTR gene, results from an A to C substitution at nucleotide position 416. The histidine at codon 139 is replaced by proline, an amino acid with similar properties. This amino acid position is well conserved in available vertebrate species. In addition, this alteration is predicted to be deleterious by in silico analysis. Based on the available evidence, the clinical significance of this alteration remains unclear.

Fulgent Genetics
Classification: Uncertain significance for Hereditary pancreatitis; Bronchiectasis with or without elevated sweat chloride 1; Cystic fibrosis; Congenital bilateral aplasia of vas deferens from CFTR mutation. Last evaluated: 2022-04-26. Review status: criteria provided, single submitter. Criteria: ACMG Guidelines, 2015. Collection method: clinical testing. Allele origin: unknown.

Genome-Nilou Lab
Classification: Uncertain significance for Cystic fibrosis. Last evaluated: 2021-09-05. Review status: criteria provided, single submitter. Criteria: ACMG Guidelines, 2015. Collection method: clinical testing. Allele origin: germline. Affected: no.

Quest Diagnostics Nichols Institute San Juan Capistrano
Classification: Uncertain significance. Last evaluated: 2020-03-19. Review status: criteria provided, single submitter. Criteria: Quest Diagnostics criteria. Collection method: clinical testing. Allele origin: unknown.

Eurofins Ntd Llc (ga)
Classification: Uncertain significance. Last evaluated: 2018-03-30. Review status: criteria provided, single submitter. Criteria: EGL ClinVar v180209 classification definitions. Collection method: clinical testing. Allele origin: germline. Observed: 2 variant alleles, 2 heterozygotes.

Genomic Research Center, Shahid Beheshti University of Medical Sciences
Classification: Uncertain significance for Cystic fibrosis. Last evaluated: 2017-12-03. Review status: criteria provided, single submitter. Criteria: ACMG Guidelines, 2015. Collection method: clinical testing. Allele origin: inherited.

Kariminejad - Najmabadi Pathology & Genetics Center
Classification: Likely pathogenic for Cystic fibrosis. Review status: criteria provided, single submitter. Criteria: ACMG Guidelines, 2015. Collection method: clinical testing. Allele origin: germline. Affected: no.

Natera, Inc.
Classification: Uncertain significance for Cystic Fibrosis. Last evaluated: 2020-09-16. Review status: no assertion criteria provided. Collection method: clinical testing. Allele origin: germline. Not counted in ClinVar's aggregate classification.

Literature cited by the submitters: PubMed 10605524 (cited by Labcorp Genetics (formerly Invitae), Labcorp); PubMed 10834512 (cited by Labcorp Genetics (formerly Invitae), Labcorp); PubMed 28546993 (cited by Labcorp Genetics (formerly Invitae), Labcorp).